The following is an entry in ClinVar:

ClinVar aggregate classification (germline): Uncertain significance (1 of 4 stars; one submission).

Submission:

Ambry Genetics
Classification: Uncertain significance. Last evaluated: 2026-03-21. Review status: criteria provided, single submitter. Criteria: Ambry Variant Classification Scheme 2023. Collection method: clinical testing. Allele origin: germline.
Comment: The p.S476P variant (also known as c.1426T>C), located in coding exon 2 of the CDK12 gene, results from a T to C substitution at nucleotide position 1426. The serine at codon 476 is replaced by proline, an amino acid with similar properties. This amino acid position is conserved. In addition, this alteration is predicted to be tolerated by in silico analysis. Based on the available evidence, the clinical significance of this variant remains unclear.

NM_016507.4(CDK12):c.1426T>C (p.Ser476Pro)

Gene: CDK12 (cyclin dependent kinase 12; plus strand). Cytogenetic location: 17q12.
Variant type: single nucleotide variant.
Coding change: c.1426T>C on transcript NM_016507.4 (MANE Select); coding-DNA position 1426, T replaced by C.
Protein change: p.Ser476Pro; replaces serine 476 with proline.
Molecular consequence: missense variant.
Genome position (GRCh38, 1-based): chr17:39,471,258, T>C. VCF-style: chr17-39471258-T-C. GRCh37 (hg19) VCF-style: chr17-37627511-T-C.
Other names: c.1426T>C, p.Ser476Pro (NM_015083.4); short protein forms S476P.
Identifiers: ClinVar variation 4868452 (VCV004868452.1).
Genomic context (GRCh38, chr17:39,471,258, plus strand): 5'-TCTGCCCCAGATACTGAACTGGTGAATGTAACACATCTAAACACAGAGGTAAAAAATTCT[T>C]CAGATACAGGGAAAGTAAAGTTGGATGAGAACTCCGAGAAGCATCTTGTTAAAGATTTGA-3'
Protein context (NP_057591.2, residues 466-486): THLNTEVKNS[Ser476Pro]DTGKVKLDEN